The following is an entry in ClinVar:

ClinVar aggregate classification (germline): Likely benign. Review status: criteria provided, multiple submitters, no conflicts (2 of 4 stars). 3 submissions from 3 submitters: Likely benign (3). Last evaluated 2025-12-17.

Conditions:
Immunodeficiency 14 (IMD14A). Also called: IMMUNODEFICIENCY 14A WITH LYMPHOPROLIFERATION, AUTOSOMAL DOMINANT; p110-DELTA-ACTIVATING MUTATION CAUSING SENESCENT T CELLS, LYMPHADENOPATHY, AND IMMUNODEFICIENCY; ACTIVATED PI3K-DELTA SYNDROME 1; Activated PI3K Delta Syndrome Type 1 (APDS1). Identifiers: Orphanet 397596, Orphanet 693661, MedGen C5907821, MONDO:0014222, OMIM 615513.

Allele frequency attached by ClinVar (database versions not stated): gnomAD exomes 0.00001 and 0.00010; gnomAD 0.00009.
gnomAD v4.1: 150 of 1,533,806 alleles (0.0098%); highest among the groups gnomAD compares: Non-Finnish European, 0.013%; no homozygotes.

Submissions (3):

Labcorp Genetics (formerly Invitae), Labcorp
Classification: Likely benign for Activated PI3K-delta syndrome. Last evaluated: 2025-12-17. Review status: criteria provided, single submitter. Criteria: Invitae Variant Classification Sherloc (09022015). Collection method: clinical testing. Allele origin: germline.

Mayo Clinic Laboratories, Mayo Clinic
Classification: Likely benign. Last evaluated: 2025-09-15. Review status: criteria provided, single submitter. Criteria: ACMG Guidelines, 2015. Collection method: clinical testing. Allele origin: germline. Observed: 1 variant allele.
Comment: BP4, BP7

Blueprint Genetics
Classification: Likely benign. Last evaluated: 2023-06-02. Review status: criteria provided, single submitter. Criteria: ACMG Guidelines, 2015. Collection method: clinical testing. Allele origin: germline.

NM_005026.5(PIK3CD):c.1486C>A (p.Arg496=)

Gene: PIK3CD (phosphatidylinositol-4,5-bisphosphate 3-kinase catalytic subunit delta; plus strand). Cytogenetic location: 1p36.22.
Variant type: single nucleotide variant.
Coding change: c.1486C>A on transcript NM_005026.5 (MANE Select); coding-DNA position 1486, C replaced by A.
Protein change: p.Arg496=; no amino-acid change (arginine 496 retained).
Molecular consequence: synonymous variant.
Genome position (GRCh38, 1-based): chr1:9,720,626, C>A. VCF-style: chr1-9720626-C-A. GRCh37 (hg19) VCF-style: chr1-9780684-C-A.
Other names: p.Arg496=; c.1399C>A, p.Arg467= (NM_001350235.1); c.1486C>A, p.Arg496= (NM_001350234.2).
Identifiers: ClinVar variation 1159828 (VCV001159828.11), dbSNP rs903288945, ClinGen allele CA17780001.
Genomic context (GRCh38, chr1:9,720,626, plus strand): 5'-CTGGTCCAGGCCCCTGGGGACGCTGAGTGCAGCCGTTTGTTGCAGATCTTGGAGCTGGGG[C>A]GACACAGCGAGTGTGTGCATGTCACCGAGGAGGAGGTGAGTGGGGTGGGGGTGTGGGGTG-3'
Protein context (NP_005017.3, residues 486-506): PALEKILELG[Arg496=]HSECVHVTEE